The following is an entry in ClinVar:

NM_015202.5(KATNIP):c.1097C>T (p.Pro366Leu)

Gene: KATNIP (katanin interacting protein; plus strand). Cytogenetic location: 16p12.1.
Variant type: single nucleotide variant.
Coding change: c.1097C>T on transcript NM_015202.5 (MANE Select); coding-DNA position 1097, C replaced by T.
Protein change: p.Pro366Leu; replaces proline 366 with leucine.
Molecular consequence: missense variant.
Genome position (GRCh38, 1-based): chr16:27,698,484, C>T. VCF-style: chr16-27698484-C-T. GRCh37 (hg19) VCF-style: chr16-27709805-C-T.
Other names: c.1097C>T (NM_015202.2); short protein forms P366L.
Identifiers: ClinVar variation 2420087 (VCV002420087.7), dbSNP rs569854901, ClinGen allele CA7977561.

ClinVar aggregate classification (germline): Uncertain significance. Review status: criteria provided, multiple submitters, no conflicts (2 of 4 stars). 2 submissions from 2 submitters: Uncertain significance (2). Last evaluated 2023-08-21.

Allele frequency attached by ClinVar (database versions not stated): ExAC 0.00006; TOPMed 0.00006; gnomAD 0.00009; gnomAD exomes 0.00010; 1000 Genomes Project 30x 0.00016; 1000 Genomes Project 0.00020.
gnomAD v4.1: 157 of 1,610,002 alleles (0.0098%); highest among the groups gnomAD compares: Admixed American, 0.018%; no homozygotes.

Submissions (2):

Ambry Genetics
Classification: Uncertain significance. Last evaluated: 2023-08-21. Review status: criteria provided, single submitter. Criteria: Ambry Variant Classification Scheme 2023. Collection method: clinical testing. Allele origin: germline.

Labcorp Genetics (formerly Invitae), Labcorp
Classification: Uncertain significance. Last evaluated: 2022-12-06. Review status: criteria provided, single submitter. Criteria: Invitae Variant Classification Sherloc (09022015). Collection method: clinical testing. Allele origin: germline.
Comment: This variant is present in population databases (rs569854901, gnomAD 0.02%). This sequence change replaces proline, which is neutral and non-polar, with leucine, which is neutral and non-polar, at codon 366 of the KIAA0556 protein (p.Pro366Leu). This variant has not been reported in the literature in individuals affected with KIAA0556-related conditions. Algorithms developed to predict the effect of missense changes on protein structure and function output the following: SIFT: "Tolerated"; PolyPhen-2: "Benign"; Align-GVGD: "Class C0". The leucine amino acid residue is found in multiple mammalian species, which suggests that this missense change does not adversely affect protein function. In summary, the available evidence is currently insufficient to determine the role of this variant in disease. Therefore, it has been classified as a Variant of Uncertain Significance.